The following is an entry in ClinVar:

NM_001276345.2(TNNT2):c.33C>T (p.Tyr11=)

Gene: TNNT2 (troponin T2, cardiac type; minus strand). Cytogenetic location: 1q32.1.
Variant type: single nucleotide variant.
Coding change: c.33C>T on transcript NM_001276345.2 (MANE Select); coding-DNA position 33, C replaced by T.
Protein change: p.Tyr11=; no amino-acid change (tyrosine 11 retained).
Molecular consequence: synonymous variant.
Genome position (GRCh38, 1-based): chr1:201,373,222, G>A on the plus strand (C>T on the coding strand, the complement: TNNT2 is on the minus strand). VCF-style: chr1-201373222-G-A. GRCh37 (hg19) VCF-style: chr1-201342350-G-A.
Other names: c.33C>T, p.Tyr11= (NM_000364.4, NM_001001430.3, NM_001001431.3 and 3 more transcripts).
Identifiers: ClinVar variation 383283 (VCV000383283.10), dbSNP rs148027842, ClinGen allele CA027625.

ClinVar aggregate classification (germline): Conflicting classifications of pathogenicity. Review status: criteria provided, conflicting classifications (1 of 4 stars). 3 submissions from 3 submitters: Uncertain significance (1); Likely benign (2). Last evaluated 2025-10-23.

Conditions:
Cardiomyopathy (CMYO). Also called: Cardiomyopathies. Identifiers: Orphanet 167848, MedGen C0878544, MONDO:0004994, HP:0001638. Inheritance: Various modes of inheritance.
Dilated cardiomyopathy 1D. Identifiers: Orphanet 154, Orphanet 54260, MedGen C1832243, MONDO:0011095, OMIM 601494.
Cardiomyopathy, familial restrictive, 3. Identifiers: Orphanet 75249, MedGen C2676271, MONDO:0012900, OMIM 612422.
Hypertrophic cardiomyopathy 2. Also called: TNNT2-Related Familial Hypertrophic Cardiomyopathy. Identifiers: MedGen C1861864, MONDO:0007266, OMIM 115195.

Allele frequency attached by ClinVar (database versions not stated): gnomAD 0.00001; gnomAD exomes 0.00001 and 0.00002; TOPMed 0.00001; ExAC 0.00002; ESP Exome Variant Server 0.00008.
gnomAD v4.1: 29 of 1,613,962 alleles (0.0018%); highest among the groups gnomAD compares: Middle Eastern, 0.016%; no homozygotes.

Submissions (3):

Labcorp Genetics (formerly Invitae), Labcorp
Classification: Uncertain significance for Cardiomyopathy, familial restrictive, 3; Hypertrophic cardiomyopathy 2; Dilated cardiomyopathy 1D. Last evaluated: 2025-10-23. Review status: criteria provided, single submitter. Criteria: Invitae Variant Classification Sherloc (09022015). Collection method: clinical testing. Allele origin: germline.
Comment: This sequence change affects codon 11 of the TNNT2 mRNA. It is a 'silent' change, meaning that it does not change the encoded amino acid sequence of the TNNT2 protein. This variant is present in population databases (rs148027842, gnomAD 0.01%). This variant has not been reported in the literature in individuals affected with TNNT2-related conditions. ClinVar contains an entry for this variant (Variation ID: 383283). Algorithms developed to predict the effect of sequence changes on RNA splicing suggest that this variant may disrupt the consensus splice site. In summary, the available evidence is currently insufficient to determine the role of this variant in disease. Therefore, it has been classified as a Variant of Uncertain Significance.

GeneDx
Classification: Likely benign. Last evaluated: 2019-08-06. Review status: criteria provided, single submitter. Criteria: GeneDx Variant Classification Process June 2021. Collection method: clinical testing. Allele origin: germline. Affected: yes.

Color Diagnostics, LLC DBA Color Health
Classification: Likely benign for Cardiomyopathy. Last evaluated: 2019-02-08. Review status: criteria provided, single submitter. Criteria: ACMG Guidelines, 2015. Collection method: clinical testing. Allele origin: germline.